The following is an entry in ClinVar:

ClinVar aggregate classification (germline): Likely pathogenic (1 of 4 stars; one submission).

Conditions:
Trichorhinophalangeal syndrome, type III (TRPS3). Also called: SUGIO-KAJII SYNDROME. Identifiers: Orphanet 77258, MedGen C1860823, OMIM 190351, MONDO:0008597.
Trichorhinophalangeal dysplasia type I (TRPS1). Also called: TRPS I; TRICHORHINOPHALANGEAL SYNDROME, TYPE I. Identifiers: Orphanet 77258, MedGen C0432233, MONDO:0008596, OMIM 190350.

Submission:

Labcorp Genetics (formerly Invitae), Labcorp
Classification: Likely pathogenic for Trichorhinophalangeal syndrome, type III; Trichorhinophalangeal dysplasia type I. Last evaluated: 2020-05-29. Review status: criteria provided, single submitter. Criteria: Invitae Variant Classification Sherloc (09022015). Collection method: clinical testing. Allele origin: germline.
Comment: Algorithms developed to predict the effect of missense changes on protein structure and function (SIFT, PolyPhen-2, Align-GVGD) all suggest that this variant is likely to be disruptive, but these predictions have not been confirmed by published functional studies and their clinical significance is uncertain. This sequence change replaces lysine with glutamic acid at codon 964 of the TRPS1 protein (p.Lys964Glu). The lysine residue is highly conserved and there is a small physicochemical difference between lysine and glutamic acid. This variant is not present in population databases (ExAC no frequency). This variant has been observed in individual(s) with trichorhinophalangeal syndrome (Invitae). In at least one individual the variant was observed to be de novo. In summary, the currently available evidence indicates that the variant is pathogenic, but additional data are needed to prove that conclusively. Therefore, this variant has been classified as Likely Pathogenic.

NM_014112.5(TRPS1):c.2890A>G (p.Lys964Glu)

Gene: TRPS1 (transcriptional repressor GATA binding 1; minus strand). Cytogenetic location: 8q23.3.
Variant type: single nucleotide variant.
Coding change: c.2890A>G on transcript NM_014112.5 (MANE Select); coding-DNA position 2890, A replaced by G.
Protein change: p.Lys964Glu; replaces lysine 964 with glutamic acid.
Molecular consequence: missense variant.
Genome position (GRCh38, 1-based): chr8:115,415,018, T>C on the plus strand (A>G on the coding strand, the complement: TRPS1 is on the minus strand). VCF-style: chr8-115415018-T-C. GRCh37 (hg19) VCF-style: chr8-116427246-T-C.
Other names: c.2863A>G, p.Lys955Glu (NM_001282902.3); c.2869A>G, p.Lys957Glu (NM_001282903.3); c.2851A>G, p.Lys951Glu (NM_001330599.2); short protein forms K951E, K955E, K957E, K964E.
Identifiers: ClinVar variation 1068231 (VCV001068231.9), dbSNP rs2129751692, ClinGen allele CA372063994.
Genomic context (GRCh38, chr8:115,415,018, plus strand): 5'-TGCTGCCCCTCTGCTGTTTGTTGAGCTGCTCAGCCTGAAGTGCCTCTGGGTTAAGGCGCT[T>C]TCTTGTTCTCCTCCTAATAATCTGCTCACCGTTGTTTTGTTTAATGATGTTTAAAGGCCT-3'
Protein context (NP_054831.2, residues 954-974): GEQIIRRRTR[Lys964Glu]RLNPEALQAE